The following is an entry in ClinVar:

NM_005523.6(HOXA11):c.837C>A (p.Asn279Lys)

Gene: HOXA11 (homeobox A11; minus strand). Cytogenetic location: 7p15.2.
Variant type: single nucleotide variant.
Coding change: c.837C>A on transcript NM_005523.6 (MANE Select); coding-DNA position 837, C replaced by A.
Protein change: p.Asn279Lys; replaces asparagine 279 with lysine.
Molecular consequence: missense variant.
Genome position (GRCh38, 1-based): chr7:27,182,901, G>T on the plus strand (C>A on the coding strand, the complement: HOXA11 is on the minus strand). VCF-style: chr7-27182901-G-T. GRCh37 (hg19) VCF-style: chr7-27222520-G-T.
Other names: short protein forms N279K.
Identifiers: ClinVar variation 4985253 (VCV004985253.1).
Genomic context (GRCh38, chr7:27,182,901, plus strand): 5'-AATTTTTTTTTCCTTCATTCTCCTGTTCTGAAACCAGATTTTGACTTGACGATCAGTGAG[G>T]TTGAGCATGCGGGACAGTTGCAGGCGCTTCTCTTTGTTAATGTAGACGCTGAAGAAGAAC-3'
Protein context (NP_005514.1, residues 269-289): EKRLQLSRML[Asn279Lys]LTDRQVKIWF

ClinVar aggregate classification (germline): Uncertain significance (1 of 4 stars; one submission).

Conditions:
HOXA11-related disorder. Also called: HOXA11-related condition.

gnomAD v4.1: 5 of 1,613,970 alleles (0.00031%); highest among the groups gnomAD compares: Non-Finnish European, 0.00042%; no homozygotes.

Submission:

PreventionGenetics, part of Exact Sciences
Classification: Uncertain significance for HOXA11-related condition. Last evaluated: 2024-10-14. Review status: criteria provided, single submitter. Criteria: ACMG Guidelines, 2015. Collection method: clinical testing. Allele origin: germline.
Comment: The HOXA11 c.837C>A variant is predicted to result in the amino acid substitution p.Asn279Lys. To our knowledge, this variant has not been reported in the literature. This variant is reported in 0.0018% of alleles in individuals of European (Non-Finnish) descent in gnomAD. At this time, the clinical significance of this variant is uncertain due to the absence of conclusive functional and genetic evidence.